The following is an entry in ClinVar:

NM_002470.4(MYH3):c.3714T>G (p.Ser1238Arg)

Gene: MYH3 (myosin heavy chain 3; minus strand). Cytogenetic location: 17p13.1.
Variant type: single nucleotide variant.
Coding change: c.3714T>G on transcript NM_002470.4 (MANE Select); coding-DNA position 3714, T replaced by G.
Protein change: p.Ser1238Arg; replaces serine 1238 with arginine.
Molecular consequence: missense variant.
Genome position (GRCh38, 1-based): chr17:10,638,058, A>C on the plus strand (T>G on the coding strand, the complement: MYH3 is on the minus strand). VCF-style: chr17-10638058-A-C. GRCh37 (hg19) VCF-style: chr17-10541375-A-C.
Other names: short protein forms S1238R.
Identifiers: ClinVar variation 1489681 (VCV001489681.6), dbSNP rs2142394959, ClinGen allele CA398150418.
Genomic context (GRCh38, chr17:10,638,058, plus strand): 5'-TGTGTCTGATGGAAAGCCTTGAGCCACCCCCACCCCGCGCAGCACCTTAGATTTCGACAC[A>C]CTCTCCATGCTGCTGGAGAGGTCATCGATCTCCAGCTTGAACTCGCTCTTCTCCTTCTCC-3'
Protein context (NP_002461.2, residues 1228-1248): EIDDLSSSME[Ser1238Arg]VSKSKANLEK

ClinVar aggregate classification (germline): Uncertain significance (1 of 4 stars; one submission).

Submission:

Labcorp Genetics (formerly Invitae), Labcorp
Classification: Uncertain significance. Last evaluated: 2021-11-10. Review status: criteria provided, single submitter. Criteria: Invitae Variant Classification Sherloc (09022015). Collection method: clinical testing. Allele origin: germline.
Comment: In summary, the available evidence is currently insufficient to determine the role of this variant in disease. Therefore, it has been classified as a Variant of Uncertain Significance. Algorithms developed to predict the effect of missense changes on protein structure and function are either unavailable or do not agree on the potential impact of this missense change (SIFT: "Deleterious"; PolyPhen-2: "Benign"; Align-GVGD: "Class C65"). This variant has not been reported in the literature in individuals affected with MYH3-related conditions. This variant is not present in population databases (gnomAD no frequency). This sequence change replaces serine, which is neutral and polar, with arginine, which is basic and polar, at codon 1238 of the MYH3 protein (p.Ser1238Arg).